The following is an entry in ClinVar:

ClinVar aggregate classification (germline): Uncertain significance. Review status: criteria provided, multiple submitters, no conflicts (2 of 4 stars). 2 submissions from 2 submitters: Uncertain significance (2). Last evaluated 2023-12-06.

Conditions:
Inborn genetic diseases. Identifiers: MedGen C0950123, MeSH D030342.

gnomAD v4.1: 6 of 1,613,684 alleles (0.00037%); highest among the groups gnomAD compares: African/African-American, 0.0053%; no homozygotes.

Submissions (2):

Ambry Genetics
Classification: Uncertain significance for Inborn genetic diseases. Last evaluated: 2023-12-06. Review status: criteria provided, single submitter. Criteria: Ambry Variant Classification Scheme 2023. Collection method: clinical testing. Allele origin: germline.
Comment: The c.512G>C (p.R171P) alteration is located in coding exon 6 of the SAR1B gene. This alteration results from a G to C substitution at nucleotide position 512, causing the arginine (R) at amino acid position 171 to be replaced by a proline (P). This allele was reported in one heterozygous individual in population-based cohorts in the Genome Aggregation Database (gnomAD). This amino acid position is highly conserved in available vertebrate species. This alteration is predicted to be deleterious by in silico analysis. Based on insufficient or conflicting evidence, the clinical significance of this alteration remains unclear.

Labcorp Genetics (formerly Invitae), Labcorp
Classification: Uncertain significance. Last evaluated: 2022-08-16. Review status: criteria provided, single submitter. Criteria: Invitae Variant Classification Sherloc (09022015). Collection method: clinical testing. Allele origin: germline.
Comment: In summary, the available evidence is currently insufficient to determine the role of this variant in disease. Therefore, it has been classified as a Variant of Uncertain Significance. Algorithms developed to predict the effect of missense changes on protein structure and function (SIFT, PolyPhen-2, Align-GVGD) all suggest that this variant is likely to be disruptive. ClinVar contains an entry for this variant (Variation ID: 1519644). This variant has not been reported in the literature in individuals affected with SAR1B-related conditions. This variant is present in population databases (no rsID available, gnomAD 0.006%). This sequence change replaces arginine, which is basic and polar, with proline, which is neutral and non-polar, at codon 171 of the SAR1B protein (p.Arg171Pro).

NM_016103.4(SAR1B):c.512G>C (p.Arg171Pro)

Gene: SAR1B (secretion associated Ras related GTPase 1B; minus strand). Cytogenetic location: 5q31.1.
Variant type: single nucleotide variant.
Coding change: c.512G>C on transcript NM_016103.4 (MANE Select); coding-DNA position 512, G replaced by C.
Protein change: p.Arg171Pro; replaces arginine 171 with proline.
Molecular consequence: missense variant.
Genome position (GRCh38, 1-based): chr5:134,607,035, C>G on the plus strand (G>C on the coding strand, the complement: SAR1B is on the minus strand). VCF-style: chr5-134607035-C-G. GRCh37 (hg19) VCF-style: chr5-133942725-C-G.
Other names: c.512G>C (NM_001033503.2); c.512G>C, p.Arg171Pro (NM_001033503.3); short protein forms R171P.
Identifiers: ClinVar variation 1519644 (VCV001519644.7), dbSNP rs372284979, ClinGen allele CA127966653.